The following is an entry in ClinVar:

NM_001876.4(CPT1A):c.433C>G (p.Arg145Gly)

Gene: CPT1A (carnitine palmitoyltransferase 1A; minus strand). Cytogenetic location: 11q13.3.
Variant type: single nucleotide variant.
Coding change: c.433C>G on transcript NM_001876.4 (MANE Select); coding-DNA position 433, C replaced by G.
Protein change: p.Arg145Gly; replaces arginine 145 with glycine.
Molecular consequence: missense variant.
Genome position (GRCh38, 1-based): chr11:68,807,487, G>C on the plus strand (C>G on the coding strand, the complement: CPT1A is on the minus strand). VCF-style: chr11-68807487-G-C. GRCh37 (hg19) VCF-style: chr11-68574955-G-C.
Other names: c.433C>G, p.Arg145Gly (NM_001031847.3); c.433C>G (NM_001876.3); short protein forms R145G.
Identifiers: ClinVar variation 2202672 (VCV002202672.2), dbSNP rs763241992, ClinGen allele CA6152685.

ClinVar aggregate classification (germline): Uncertain significance. Review status: criteria provided, multiple submitters, no conflicts (2 of 4 stars). 2 submissions from 2 submitters: Uncertain significance (2). Last evaluated 2024-02-12.

Conditions:
Carnitine palmitoyl transferase 1A deficiency. Also called: Carnitine palmitoyltransferase type I deficiency; CPT I DEFICIENCY; CPT DEFICIENCY, HEPATIC, TYPE I; Carnitine palmitoyltransferase 1A deficiency; CPT deficiency, hepatic, type IA. Identifiers: Orphanet 156, MedGen C1829703, MONDO:0009705, OMIM 255120.
Inborn genetic diseases. Identifiers: MedGen C0950123, MeSH D030342.

gnomAD v4.1: 90 of 1,613,908 alleles (0.0056%); highest among the groups gnomAD compares: Non-Finnish European, 0.0069%; no homozygotes.

Submissions (2):

Ambry Genetics
Classification: Uncertain significance for Inborn genetic diseases. Last evaluated: 2024-02-12. Review status: criteria provided, single submitter. Criteria: Ambry Variant Classification Scheme 2023. Collection method: clinical testing. Allele origin: germline.

Labcorp Genetics (formerly Invitae), Labcorp
Classification: Uncertain significance for Carnitine palmitoyl transferase 1A deficiency. Last evaluated: 2022-08-13. Review status: criteria provided, single submitter. Criteria: Invitae Variant Classification Sherloc (09022015). Collection method: clinical testing. Allele origin: germline.
Comment: This sequence change replaces arginine, which is basic and polar, with glycine, which is neutral and non-polar, at codon 145 of the CPT1A protein (p.Arg145Gly). This variant is present in population databases (rs763241992, gnomAD 0.008%). This variant has not been reported in the literature in individuals affected with CPT1A-related conditions. Algorithms developed to predict the effect of missense changes on protein structure and function (SIFT, PolyPhen-2, Align-GVGD) all suggest that this variant is likely to be tolerated. In summary, the available evidence is currently insufficient to determine the role of this variant in disease. Therefore, it has been classified as a Variant of Uncertain Significance.